The following is an entry in ClinVar:

ClinVar aggregate classification (germline): Likely benign. Review status: criteria provided, single submitter (1 of 4 stars). 2 submissions from 2 submitters: Likely benign (1). 1 of the submissions does not count toward it. Last evaluated 2024-06-03.

Conditions:
TMEM67-related disorder. Also called: TMEM67-related condition; TMEM67-related disorders. Identifiers: MedGen CN239423.
Meckel-Gruber syndrome. Also called: DYSENCEPHALIA SPLANCHNOCYSTICA; GRUBER SYNDROME; Dysencephalia splachnocystica. Identifiers: Orphanet 564, MedGen C0265215, MONDO:0018921.
Joubert syndrome. Also called: Familial aplasia of the vermis; JOUBERT-BOLTSHAUSER SYNDROME. Identifiers: Orphanet 475, MedGen C5979921, MONDO:0018772.

Allele frequency attached by ClinVar (database versions not stated): TOPMed 0.00002; ExAC 0.00003.
gnomAD v4.1: 17 of 1,557,394 alleles (0.0011%); highest among the groups gnomAD compares: South Asian, 0.012%; 1 homozygote.

Submissions (2):

Labcorp Genetics (formerly Invitae), Labcorp
Classification: Likely benign for Joubert syndrome; Meckel-Gruber syndrome. Last evaluated: 2024-06-03. Review status: criteria provided, single submitter. Criteria: Invitae Variant Classification Sherloc (09022015). Collection method: clinical testing. Allele origin: germline.

PreventionGenetics, part of Exact Sciences
Classification: Likely benign for TMEM67-related condition. Last evaluated: 2024-09-25. Review status: no assertion criteria provided. Collection method: clinical testing. Allele origin: germline. Not counted in ClinVar's aggregate classification.
Comment: This variant is classified as likely benign based on ACMG/AMP sequence variant interpretation guidelines (Richards et al. 2015 PMID: 25741868, with internal and published modifications).

NM_153704.6(TMEM67):c.2242-9A>T

Gene: TMEM67 (transmembrane protein 67; plus strand). Cytogenetic location: 8q22.1.
Variant type: single nucleotide variant.
Coding change: c.2242-9A>T on transcript NM_153704.6 (MANE Select); 9 bases into the intron before coding-DNA position 2242, A replaced by T.
Molecular consequence: intron variant.
Genome position (GRCh38, 1-based): chr8:93,803,595, A>T. VCF-style: chr8-93803595-A-T. GRCh37 (hg19) VCF-style: chr8-94815823-A-T.
Other names: c.1999-9A>T (NM_001142301.1); c.2242-9A>T (NM_153704.5).
Identifiers: ClinVar variation 2102525 (VCV002102525.5), dbSNP rs775871153, ClinGen allele CA4808247.